The following is an entry in ClinVar:

ClinVar aggregate classification (germline): Uncertain significance. Review status: criteria provided, multiple submitters, no conflicts (2 of 4 stars). 5 submissions from 5 submitters: Uncertain significance (5). Last evaluated 2024-12-17.

Conditions:
RYR1-related disorder. Also called: RYR1-related disorders; RYR1-related condition. Identifiers: MedGen CN239331.
Malignant hyperthermia, susceptibility to, 1 (MHS1). Also called: Anesthesia related hyperthermia; Malignant hyperpyrexia; Fulminating hyperpyrexia; Pharmacogenic myopathy; RYR1-Related Malignant Hyperthermia Susceptibility; Malignant hyperthermia suceptibility 1. Identifiers: Orphanet 423, MedGen C2930980, MONDO:0007783, OMIM 145600.
Congenital multicore myopathy with external ophthalmoplegia (CMYO1B). Also called: MULTIMINICORE DISEASE WITH EXTERNAL OPHTHALMOPLEGIA; Congenital myopathy 1B, autosomal recessive; Minicore myopathy; Minicore myopathy with external ophthalmoplegia; MULTICORE MYOPATHY. Identifiers: Orphanet 598, Orphanet 98905, MedGen C1850674, MONDO:0009712, OMIM 255320, HP:0003789.
Congenital myopathy with fiber type disproportion. Also called: Congenital fiber-type disproportion myopathy; Congenital fiber-type disproportion. Identifiers: Orphanet 2020, MedGen C0546264, MONDO:0009711. Inheritance: all.
Central core myopathy (CMYO1A). Also called: CONGENITAL MYOPATHY 1A, AUTOSOMAL DOMINANT, WITH SUSCEPTIBILITY TO MALIGNANT HYPERTHERMIA; Central core disease; Myopathy, central fibrillar. Identifiers: Orphanet 597, MedGen C5830701, MONDO:0007294, OMIM 117000.
King Denborough syndrome (KDS). Identifiers: MedGen C1840365, MONDO:0020485, OMIM 619542.

Allele frequency attached by ClinVar (database versions not stated): ExAC 0.00001; gnomAD 0.00001 and 0.00003; gnomAD exomes 0.00001; TOPMed 0.00002.
gnomAD v4.1: 11 of 1,613,802 alleles (0.00068%); highest among the groups gnomAD compares: Non-Finnish European, 0.00093%; no homozygotes.

Submissions (5):

Labcorp Genetics (formerly Invitae), Labcorp
Classification: Uncertain significance for RYR1-related disorder. Last evaluated: 2024-12-17. Review status: criteria provided, single submitter. Criteria: Invitae Variant Classification Sherloc (09022015). Collection method: clinical testing. Allele origin: germline.
Comment: This sequence change replaces threonine, which is neutral and polar, with isoleucine, which is neutral and non-polar, at codon 1272 of the RYR1 protein (p.Thr1272Ile). This variant is present in population databases (rs750818753, gnomAD 0.004%). This missense change has been observed in individual(s) with RYR1-related conditions (PMID: 32236737). ClinVar contains an entry for this variant (Variation ID: 590524). Invitae Evidence Modeling of protein sequence and biophysical properties (such as structural, functional, and spatial information, amino acid conservation, physicochemical variation, residue mobility, and thermodynamic stability) has been performed for this missense variant. However, the output from this modeling did not meet the statistical confidence thresholds required to predict the impact of this variant on RYR1 protein function. In summary, the available evidence is currently insufficient to determine the role of this variant in disease. Therefore, it has been classified as a Variant of Uncertain Significance.

Color Diagnostics, LLC DBA Color Health
Classification: Uncertain significance for Malignant hyperthermia, susceptibility to, 1. Last evaluated: 2024-07-11. Review status: criteria provided, single submitter. Criteria: ACMG Guidelines, 2015. Collection method: clinical testing. Allele origin: germline.
Comment: This missense variant replaces threonine with isoleucine at codon 1272 of the RYR1 protein. Computational prediction suggests that this variant may not impact protein structure and function. To our knowledge, functional studies have not been reported for this variant. This variant has not been reported in individuals affected with RYR1-related disorders in the literature. This variant has been identified in 4/280736 chromosomes in the general population by the Genome Aggregation Database (gnomAD). The available evidence is insufficient to determine the role of this variant in disease conclusively. Therefore, this variant is classified as a Variant of Uncertain Significance.

Fulgent Genetics
Classification: Uncertain significance for Central core myopathy; Malignant hyperthermia, susceptibility to, 1; Congenital myopathy 4A, autosomal dominant; Congenital multicore myopathy with external ophthalmoplegia; King Denborough syndrome. Last evaluated: 2021-07-22. Review status: criteria provided, single submitter. Criteria: ACMG Guidelines, 2015. Collection method: clinical testing. Allele origin: unknown.

Revvity Omics, Revvity
Classification: Uncertain significance. Last evaluated: 2019-07-23. Review status: criteria provided, single submitter. Criteria: ACMG Guidelines, 2015. Collection method: clinical testing. Allele origin: germline.

PreventionGenetics, part of Exact Sciences
Classification: Uncertain significance. Last evaluated: 2017-03-18. Review status: criteria provided, single submitter. Criteria: ACMG Guidelines, 2015. Collection method: clinical testing. Allele origin: germline.

Literature cited by the submitters: PubMed 32236737 (cited by Labcorp Genetics (formerly Invitae), Labcorp).

NM_000540.3(RYR1):c.3815C>T (p.Thr1272Ile)

Gene: RYR1 (ryanodine receptor 1; plus strand). Cytogenetic location: 19q13.2.
Variant type: single nucleotide variant.
Coding change: c.3815C>T on transcript NM_000540.3 (MANE Select); coding-DNA position 3815, C replaced by T.
Protein change: p.Thr1272Ile; replaces threonine 1272 with isoleucine.
Molecular consequence: missense variant.
Genome position (GRCh38, 1-based): chr19:38,473,426, C>T. VCF-style: chr19-38473426-C-T. GRCh37 (hg19) VCF-style: chr19-38964066-C-T.
Other names: c.3815C>T, p.Thr1272Ile (NM_001042723.2); short protein forms T1272I.
Identifiers: ClinVar variation 590524 (VCV000590524.14), dbSNP rs750818753, ClinGen allele CA065233.